The following is an entry in ClinVar:

NM_024675.4(PALB2):c.2032C>T (p.Leu678=)

Gene: PALB2 (partner and localizer of BRCA2; minus strand). Cytogenetic location: 16p12.2.
Variant type: single nucleotide variant.
Coding change: c.2032C>T on transcript NM_024675.4 (MANE Select); coding-DNA position 2032, C replaced by T.
Protein change: p.Leu678=; no amino-acid change (leucine 678 retained).
Molecular consequence: synonymous variant.
Genome position (GRCh38, 1-based): chr16:23,630,122, G>A on the plus strand (C>T on the coding strand, the complement: PALB2 is on the minus strand). VCF-style: chr16-23630122-G-A. GRCh37 (hg19) VCF-style: chr16-23641443-G-A.
Identifiers: ClinVar variation 231579 (VCV000231579.23), dbSNP rs376189676, ClinGen allele CA7963634.

ClinVar aggregate classification (germline): Benign/Likely benign. Review status: criteria provided, multiple submitters, no conflicts (2 of 4 stars). 6 submissions from 6 submitters: Benign (1); Likely benign (5). Last evaluated 2025-12-17.

Conditions:
Hereditary cancer-predisposing syndrome. Also called: Hereditary Cancer Syndrome; Neoplastic Syndromes, Hereditary; Tumor predisposition; Hereditary neoplastic syndrome. Identifiers: Orphanet 140162, MedGen C0027672, MeSH D009386, MONDO:0015356.
Fanconi anemia complementation group N. Also called: PALB2-Related Fanconi Anemia. Identifiers: Orphanet 84, MedGen C1835817, MONDO:0012565, OMIM 610832. Disease mechanism: loss of function.
Pancreatic cancer, susceptibility to, 3. Identifiers: Orphanet 1333, MedGen C3150547, MONDO:0013236, OMIM 613348.
Familial cancer of breast. Also called: Hereditary breast cancer; hereditary breast carcinoma; BREAST CANCER, FAMILIAL. Identifiers: Orphanet 227535, MedGen C0346153, MONDO:0016419, OMIM 114480. Disease mechanism: loss of function.

Allele frequency attached by ClinVar (database versions not stated): gnomAD 0.00006 and 0.00007; TOPMed 0.00006; ESP Exome Variant Server 0.00008; gnomAD exomes below 0.00001; ExAC 0.00002.
gnomAD v4.1: 11 of 1,614,026 alleles (0.00068%); highest among the groups gnomAD compares: African/African-American, 0.015%; no homozygotes.

Submissions (6):

Labcorp Genetics (formerly Invitae), Labcorp
Classification: Likely benign for Familial cancer of breast. Last evaluated: 2025-12-17. Review status: criteria provided, single submitter. Criteria: Invitae Variant Classification Sherloc (09022015). Collection method: clinical testing. Allele origin: germline.

Myriad Genetics, Inc.
Classification: Benign for Familial cancer of breast. Last evaluated: 2025-01-15. Review status: criteria provided, single submitter. Criteria: Myriad Autosomal Dominant, Autosomal Recessive and X-Linked Classification Criteria (2023). Collection method: clinical testing. Allele origin: unknown.
Comment: This variant is considered benign. This variant is a silent/synonymous amino acid change and it is not expected to impact splicing.

Fulgent Genetics
Classification: Likely benign for Familial cancer of breast; Fanconi anemia complementation group N; Pancreatic cancer, susceptibility to, 3. Last evaluated: 2021-09-06. Review status: criteria provided, single submitter. Criteria: ACMG Guidelines, 2015. Collection method: clinical testing. Allele origin: unknown.

GeneDx
Classification: Likely benign. Last evaluated: 2020-02-04. Review status: criteria provided, single submitter. Criteria: GeneDx Variant Classification Process June 2021. Collection method: clinical testing. Allele origin: germline. Affected: yes.

Color Diagnostics, LLC DBA Color Health
Classification: Likely benign for Hereditary cancer-predisposing syndrome. Last evaluated: 2017-10-02. Review status: criteria provided, single submitter. Criteria: ACMG Guidelines, 2015. Collection method: clinical testing. Allele origin: germline.

Ambry Genetics
Classification: Likely benign for Hereditary cancer-predisposing syndrome. Last evaluated: 2015-05-01. Review status: criteria provided, single submitter. Criteria: Ambry Variant Classification Scheme 2023. Collection method: clinical testing. Allele origin: germline.